The following is an entry in ClinVar:

ClinVar aggregate classification (germline): Conflicting classifications of pathogenicity. Review status: criteria provided, conflicting classifications (1 of 4 stars). 9 submissions from 9 submitters: Uncertain significance (1); Likely benign (6). 2 of the submissions do not count toward it. Last evaluated 2026-01-19.

Conditions:
Dilated cardiomyopathy 1G (CMD1G). Identifiers: Orphanet 154, MedGen C1858763, MONDO:0011400, OMIM 604145.
Autosomal recessive limb-girdle muscular dystrophy type 2J (LGMDR10). Also called: MUSCULAR DYSTROPHY, LIMB-GIRDLE, AUTOSOMAL RECESSIVE 10; Limb-girdle muscular dystrophy, type 2J. Identifiers: Orphanet 140922, MedGen C1837342, MONDO:0012127, OMIM 608807.

Allele frequency attached by ClinVar (database versions not stated): gnomAD 0.00002 and 0.00003; TOPMed 0.00003; gnomAD exomes 0.00007 and 0.00009; ExAC 0.00022.
gnomAD v4.1: 110 of 1,594,242 alleles (0.0069%); highest among the groups gnomAD compares: Middle Eastern, 0.15%; 1 homozygote.

Submissions (9):

Labcorp Genetics (formerly Invitae), Labcorp
Classification: Likely benign for Dilated cardiomyopathy 1G; Autosomal recessive limb-girdle muscular dystrophy type 2J. Last evaluated: 2026-01-19. Review status: criteria provided, single submitter. Criteria: Invitae Variant Classification Sherloc (09022015). Collection method: clinical testing. Allele origin: germline.

CeGaT Center for Human Genetics Tuebingen
Classification: Likely benign. Last evaluated: 2025-11-01. Review status: criteria provided, single submitter. Criteria: CeGaT Center For Human Genetics Tuebingen Variant Classification Criteria Version 2. Collection method: clinical testing. Allele origin: germline. Affected: yes. Observed: 5 variant alleles.
Comment: TTN: BP4, BP7

Molecular Diagnostic Laboratory for Inherited Cardiovascular Disease, Montreal Heart Institute
Classification: Likely benign. Last evaluated: 2025-04-09. Review status: criteria provided, single submitter. Criteria: ACMG Guidelines, 2015. Collection method: clinical testing. Allele origin: germline. Affected: no.

Blueprint Genetics
Classification: Likely benign. Last evaluated: 2023-10-25. Review status: criteria provided, single submitter. Criteria: ACMG Guidelines, 2015. Collection method: clinical testing. Allele origin: germline.

GeneDx
Classification: Likely benign. Last evaluated: 2019-05-28. Review status: criteria provided, single submitter. Criteria: GeneDx Variant Classification Process June 2021. Collection method: clinical testing. Allele origin: germline. Affected: yes.

Eurofins Ntd Llc (ga)
Classification: Uncertain significance. Last evaluated: 2016-01-14. Review status: criteria provided, single submitter. Criteria: EGL Classification Definitions 2015. Collection method: clinical testing. Allele origin: germline. Observed: 1 variant allele, 1 heterozygote.

Laboratory for Molecular Medicine, Mass General Brigham Personalized Medicine
Classification: Likely benign. Last evaluated: 2015-05-16. Review status: criteria provided, single submitter. Criteria: LMM Criteria. Collection method: clinical testing. Allele origin: germline. Observed: 1 variant allele.
Comment: p.Glu10828Glu in exon 164 of TTN: This variant is not expected to have clinical significance because it does not alter an amino acid residue and is not located within the splice consensus sequence. It has been identified in 7/20390 European chromosomes by the Exome Aggregation Consortium (ExAC; dbSNP rs398124450).

Clinical Genetics DNA and cytogenetics Diagnostics Lab, Erasmus MC, Erasmus Medical Center
Classification: Likely benign. Review status: no assertion criteria provided. Collection method: clinical testing. Allele origin: germline. Affected: yes. Study: VKGL Data-share Consensus. Not counted in ClinVar's aggregate classification.

Diagnostic Laboratory, Department of Genetics, University Medical Center Groningen
Classification: Likely benign. Review status: no assertion criteria provided. Collection method: clinical testing. Allele origin: germline. Affected: yes. Study: VKGL Data-share Consensus. Not counted in ClinVar's aggregate classification.

NM_001267550.2(TTN):c.39786A>G (p.Glu13262=)

Gene: TTN (titin; minus strand). Cytogenetic location: 2q31.2.
Variant type: single nucleotide variant.
Coding change: c.39786A>G on transcript NM_001267550.2 (MANE Select); coding-DNA position 39786, A replaced by G.
Protein change: p.Glu13262=; no amino-acid change (glutamic acid 13262 retained).
Molecular consequence: synonymous variant. On other transcripts: intron variant (3).
Genome position (GRCh38, 1-based): chr2:178,650,195, T>C on the plus strand (A>G on the coding strand, the complement: TTN is on the minus strand). VCF-style: chr2-178650195-T-C. GRCh37 (hg19) VCF-style: chr2-179514922-T-C.
Other names: c.13283-7878A>G (NM_003319.4); c.13859-7878A>G (NM_133437.4); c.13658-7878A>G (NM_133432.3); c.35265A>G, p.Glu11755= (NM_001256850.1); c.32484A>G, p.Glu10828= (NM_133378.4).
Identifiers: ClinVar variation 96285 (VCV000096285.50), dbSNP rs398124450, ClinGen allele CA223935.